The following is an entry in ClinVar:

NM_000057.4(BLM):c.766G>A (p.Asp256Asn)

Gene: BLM (BLM RecQ like helicase; plus strand). Cytogenetic location: 15q26.1.
Variant type: single nucleotide variant.
Coding change: c.766G>A on transcript NM_000057.4 (MANE Select); coding-DNA position 766, G replaced by A.
Protein change: p.Asp256Asn; replaces aspartic acid 256 with asparagine.
Molecular consequence: missense variant. On other transcripts: 5 prime UTR variant (1).
Genome position (GRCh38, 1-based): chr15:90,750,034, G>A. VCF-style: chr15-90750034-G-A. GRCh37 (hg19) VCF-style: chr15-91293264-G-A.
Other names: c.766G>A, p.Asp256Asn (NM_001287246.2, NM_001287247.2); c.-526G>A (NM_001287248.2); short protein forms D256N.
Identifiers: ClinVar variation 5032927 (VCV005032927.1).
Genomic context (GRCh38, chr15:90,750,034, plus strand): 5'-ATTTGCATCGATGATGGCCCCATTGCTGAAGTGCATATAAATGAAGATGCTCAGGAAAGT[G>A]ACTCTCTGAAAACTCATTTGGAAGATGAAAGAGGTAACAATTATTTTATCTTCATTTTAG-3'
Protein context (NP_000048.1, residues 246-266): VHINEDAQES[Asp256Asn]SLKTHLEDER

ClinVar aggregate classification (germline): Uncertain significance (1 of 4 stars; one submission).

Conditions:
Hereditary cancer-predisposing syndrome. Also called: Neoplastic Syndromes, Hereditary; Tumor predisposition; Hereditary neoplastic syndrome; Hereditary Cancer Syndrome. Identifiers: Orphanet 140162, MedGen C0027672, MeSH D009386, MONDO:0015356.

gnomAD v4.1: 1 of 1,614,112 alleles (0.000062%); highest among the groups gnomAD compares: Admixed American, 0.0017%; no homozygotes.

Submission:

Ambry Genetics
Classification: Uncertain significance for Hereditary cancer-predisposing syndrome. Last evaluated: 2026-08-20. Review status: criteria provided, single submitter. Criteria: Ambry Variant Classification Scheme 2023. Collection method: clinical testing. Allele origin: germline.
Comment: The p.D256N variant (also known as c.766G>A), located in coding exon 2 of the BLM gene, results from a G to A substitution at nucleotide position 766. The aspartic acid at codon 256 is replaced by asparagine, an amino acid with highly similar properties. This amino acid position is conserved. In addition, this alteration is predicted to be tolerated by in silico analysis. Based on the available evidence, the clinical significance of this variant remains unclear.